The following is an entry in ClinVar:

NM_022786.3(ARV1):c.175-2A>G

Gene: ARV1 (ARV1 homolog, fatty acid homeostasis modulator; plus strand). Cytogenetic location: 1q42.2.
Variant type: single nucleotide variant.
Coding change: c.175-2A>G on transcript NM_022786.3 (MANE Select); the canonical splice acceptor site of the intron before coding-DNA position 175, A replaced by G.
Molecular consequence: splice acceptor variant.
Genome position (GRCh38, 1-based): chr1:230,988,318, A>G. VCF-style: chr1-230988318-A-G. GRCh37 (hg19) VCF-style: chr1-231124064-A-G.
Other names: c.175-2A>G (NM_001346992.2).
Identifiers: ClinVar variation 1028780 (VCV001028780.4), dbSNP rs1294383261, ClinGen allele CA345217607.

ClinVar aggregate classification (germline): Likely pathogenic. Review status: criteria provided, multiple submitters, no conflicts (2 of 4 stars). 2 submissions from 2 submitters: Likely pathogenic (2). Last evaluated 2022-03-31.

Conditions:
Developmental and epileptic encephalopathy, 38 (DEE38). Also called: Epileptic encephalopathy, early infantile, 38. Identifiers: MedGen C4310762, MONDO:0014868, OMIM 617020.

Allele frequency attached by ClinVar (database versions not stated): gnomAD exomes below 0.00001; gnomAD 0.00001; TOPMed 0.00002.
gnomAD v4.1: 3 of 1,586,838 alleles (0.00019%); highest among the groups gnomAD compares: African/African-American, 0.0041%; no homozygotes.

Submissions (2):

Greenwood Genetic Center Diagnostic Laboratories, Greenwood Genetic Center
Classification: Likely pathogenic for Developmental and epileptic encephalopathy, 38. Last evaluated: 2022-03-31. Review status: criteria provided, single submitter. Criteria: ACMG Guidelines, 2015. Collection method: clinical testing. Allele origin: germline. Affected: yes.
Comment: PM2, PP3_Strong

Baylor Genetics
Classification: Likely pathogenic for Developmental and epileptic encephalopathy, 38. Last evaluated: 2019-07-27. Review status: criteria provided, single submitter. Criteria: ACMG Guidelines, 2015. Collection method: clinical testing. Allele origin: unknown. Affected: yes.
Comment: This variant was determined to be likely pathogenic according to ACMG Guidelines, 2015 [PMID:25741868].